The following is an entry in ClinVar:

NM_000540.3(RYR1):c.1696G>A (p.Val566Ile)

Gene: RYR1 (ryanodine receptor 1; plus strand). Cytogenetic location: 19q13.2.
Variant type: single nucleotide variant.
Coding change: c.1696G>A on transcript NM_000540.3 (MANE Select); coding-DNA position 1696, G replaced by A.
Protein change: p.Val566Ile; replaces valine 566 with isoleucine.
Molecular consequence: missense variant.
Genome position (GRCh38, 1-based): chr19:38,455,656, G>A. VCF-style: chr19-38455656-G-A. GRCh37 (hg19) VCF-style: chr19-38946296-G-A.
Other names: c.1696G>A, p.Val566Ile (NM_001042723.2); short protein forms V566I.
Identifiers: ClinVar variation 3901467 (VCV003901467.2).

ClinVar aggregate classification (germline): Uncertain significance (1 of 4 stars; one submission).

gnomAD v4.1: 1 of 1,613,850 alleles (0.000062%); highest among the groups gnomAD compares: Non-Finnish European, 0.000085%; no homozygotes.

Submission:

GeneDx
Classification: Uncertain significance. Last evaluated: 2025-09-23. Review status: criteria provided, single submitter. Criteria: GeneDx Variant Classification Process June 2021. Collection method: clinical testing. Allele origin: germline. Affected: yes.
Comment: Not observed at significant frequency in large population cohorts (gnomAD); In silico analysis suggests that this missense variant does not alter protein structure/function; Has not been previously published as pathogenic or benign to our knowledge